The following is an entry in ClinVar:

ClinVar aggregate classification (germline): Uncertain significance (1 of 4 stars; one submission).

gnomAD v4.1: 17 of 1,614,110 alleles (0.0011%); highest among the groups gnomAD compares: East Asian, 0.038%; no homozygotes.

Submission:

Labcorp Genetics (formerly Invitae), Labcorp
Classification: Uncertain significance. Last evaluated: 2025-10-14. Review status: criteria provided, single submitter. Criteria: Invitae Variant Classification Sherloc (09022015). Collection method: clinical testing. Allele origin: germline.
Comment: This sequence change replaces proline, which is neutral and non-polar, with threonine, which is neutral and polar, at codon 1471 of the CELSR2 protein (p.Pro1471Thr). This variant is present in population databases (rs539222308, gnomAD 0.06%), and has an allele count higher than expected for a pathogenic variant. This variant has not been reported in the literature in individuals affected with CELSR2-related conditions. Invitae Evidence Modeling of protein sequence and biophysical properties (such as structural, functional, and spatial information, amino acid conservation, physicochemical variation, residue mobility, and thermodynamic stability) indicates that this missense variant is not expected to disrupt CELSR2 protein function with a negative predictive value of 80%. In summary, the available evidence is currently insufficient to determine the role of this variant in disease. Therefore, it has been classified as a Variant of Uncertain Significance.

NM_001408.3(CELSR2):c.4411C>A (p.Pro1471Thr)

Gene: CELSR2 (cadherin EGF LAG seven-pass G-type receptor 2; plus strand). Cytogenetic location: 1p13.3.
Variant type: single nucleotide variant.
Coding change: c.4411C>A on transcript NM_001408.3 (MANE Select); coding-DNA position 4411, C replaced by A.
Protein change: p.Pro1471Thr; replaces proline 1471 with threonine.
Molecular consequence: missense variant.
Genome position (GRCh38, 1-based): chr1:109,262,311, C>A. VCF-style: chr1-109262311-C-A. GRCh37 (hg19) VCF-style: chr1-109804933-C-A.
Other names: short protein forms P1471T.
Identifiers: ClinVar variation 4810902 (VCV004810902.1).